The following is an entry in ClinVar:

ClinVar aggregate classification (germline): Uncertain significance (1 of 4 stars; one submission).

Allele frequency attached by ClinVar (database versions not stated): gnomAD exomes below 0.00001; TOPMed below 0.00001.
gnomAD v4.1: 1 of 1,613,474 alleles (0.000062%); highest among the groups gnomAD compares: Non-Finnish European, 0.000085%; no homozygotes.

Submission:

GeneDx
Classification: Uncertain significance. Last evaluated: 2022-05-06. Review status: criteria provided, single submitter. Criteria: GeneDx Variant Classification Process June 2021. Collection method: clinical testing. Allele origin: germline. Affected: yes.
Comment: Not observed at significant frequency in large population cohorts (gnomAD); In silico analysis supports that this missense variant has a deleterious effect on protein structure/function; Observed in individual with adolescent idiopathic scoliosis; however, no further clinical information was provided (Jiang et al., 2020); This variant is associated with the following publications: (PMID: 32381728)

NM_014141.6(CNTNAP2):c.1214A>G (p.Asn405Ser)

Gene: CNTNAP2 (contactin associated protein 2; plus strand). Cytogenetic location: 7q35.
Variant type: single nucleotide variant.
Coding change: c.1214A>G on transcript NM_014141.6 (MANE Select); coding-DNA position 1214, A replaced by G.
Protein change: p.Asn405Ser; replaces asparagine 405 with serine.
Molecular consequence: missense variant.
Genome position (GRCh38, 1-based): chr7:147,132,375, A>G. VCF-style: chr7-147132375-A-G. GRCh37 (hg19) VCF-style: chr7-146829467-A-G.
Other names: short protein forms N405S.
Identifiers: ClinVar variation 1723078 (VCV001723078.2), dbSNP rs893991199, ClinGen allele CA369924731.